The following is an entry in ClinVar:

NM_000170.3(GLDC):c.438G>A (p.Thr146=)

Gene: GLDC (glycine decarboxylase; minus strand). Cytogenetic location: 9p24.1.
Variant type: single nucleotide variant.
Coding change: c.438G>A on transcript NM_000170.3 (MANE Select); coding-DNA position 438, G replaced by A.
Protein change: p.Thr146=; no amino-acid change (threonine 146 retained).
Molecular consequence: synonymous variant.
Genome position (GRCh38, 1-based): chr9:6,620,216, C>T on the plus strand (G>A on the coding strand, the complement: GLDC is on the minus strand). VCF-style: chr9-6620216-C-T. GRCh37 (hg19) VCF-style: chr9-6620216-C-T.
Other names: p.Thr146=.
Identifiers: ClinVar variation 367204 (VCV000367204.21), dbSNP rs13289273, ClinGen allele CA4981153.

ClinVar aggregate classification (germline): Benign/Likely benign. Review status: criteria provided, multiple submitters, no conflicts (2 of 4 stars). 8 submissions from 8 submitters: Benign (6); Likely benign (1). 1 of the submissions does not count toward it. Last evaluated 2026-02-04.

Conditions:
Glycine encephalopathy. Also called: Non-ketotic hyperglycinemia; Nonketotic hyperglycinemia. Identifiers: Orphanet 407, MedGen C0751748, MONDO:0011612, HP:0008288.

Allele frequency attached by ClinVar (database versions not stated): 1000 Genomes Project 30x 0.02795; 1000 Genomes Project 0.02975; TOPMed 0.05375; gnomAD 0.06458; ESP Exome Variant Server 0.06751.
gnomAD v4.1: 133,549 of 1,612,532 alleles (8.3%); highest among the groups gnomAD compares: Non-Finnish European, 9.8%; 6,575 homozygotes.

Submissions (8):

Labcorp Genetics (formerly Invitae), Labcorp
Classification: Benign for Glycine encephalopathy. Last evaluated: 2026-02-04. Review status: criteria provided, single submitter. Criteria: Invitae Variant Classification Sherloc (09022015). Collection method: clinical testing. Allele origin: germline.

Blueprint Genetics
Classification: Likely benign. Last evaluated: 2024-11-27. Review status: criteria provided, single submitter. Criteria: ACMG Guidelines, 2015. Collection method: clinical testing. Allele origin: germline.

Women's Health and Genetics/Laboratory Corporation of America, LabCorp
Classification: Benign. Last evaluated: 2022-04-14. Review status: criteria provided, single submitter. Criteria: LabCorp Variant Classification Summary - May 2015. Collection method: clinical testing. Allele origin: germline.

Mayo Clinic Laboratories, Mayo Clinic
Classification: Benign. Last evaluated: 2021-11-04. Review status: criteria provided, single submitter. Criteria: ACMG Guidelines, 2015. Collection method: clinical testing. Allele origin: germline. Observed: 28 variant alleles.

GeneDx
Classification: Benign. Last evaluated: 2018-07-15. Review status: criteria provided, single submitter. Criteria: GeneDx Variant Classification Process June 2021. Collection method: clinical testing. Allele origin: germline. Affected: yes.

Illumina Laboratory Services, Illumina
Classification: Benign for Glycine encephalopathy 1. Last evaluated: 2018-01-12. Review status: criteria provided, single submitter. Criteria: ICSL Variant Classification Criteria 13 December 2019. Collection method: clinical testing. Allele origin: germline.
Comment: This variant was observed in the ICSL laboratory as part of a predisposition screen in an ostensibly healthy population. It had not been previously curated by ICSL or reported in the Human Gene Mutation Database (HGMD: prior to June 1st, 2018), and was therefore a candidate for classification through an automated scoring system. Utilizing variant allele frequency, disease prevalence and penetrance estimates, and inheritance mode, an automated score was calculated to assess if this variant is too frequent to cause the disease. Based on the score and internal cut-off values, a variant classified as benign is not then subjected to further curation. The score for this variant resulted in a classification of benign for this disease.

Breakthrough Genomics
Classification: Benign. Review status: criteria provided, single submitter. Criteria: ACMG Guidelines, 2015. Collection method: not provided. Allele origin: germline. Inheritance: Autosomal recessive inheritance. Affected: yes.

Natera, Inc.
Classification: Benign for Non-ketotic hyperglycinemia. Last evaluated: 2019-11-22. Review status: no assertion criteria provided. Collection method: clinical testing. Allele origin: germline. Not counted in ClinVar's aggregate classification.